The following is an entry in ClinVar:

ClinVar aggregate classification (germline): Benign/Likely benign. Review status: criteria provided, multiple submitters, no conflicts (2 of 4 stars). 5 submissions from 5 submitters: Benign (3); Likely benign (2). Last evaluated 2025-09-01.

Allele frequency attached by ClinVar (database versions not stated): gnomAD 0.00012 and 0.00042; gnomAD exomes 0.00060 and 0.00138; 1000 Genomes Project 30x 0.00219; 1000 Genomes Project 0.00240; ExAC 0.00298.
gnomAD v4.1: 859 of 1,461,670 alleles (0.059%); highest among the groups gnomAD compares: South Asian, 0.78%; 15 homozygotes.

Submissions (5):

CeGaT Center for Human Genetics Tuebingen
Classification: Likely benign. Last evaluated: 2025-09-01. Review status: criteria provided, single submitter. Criteria: CeGaT Center For Human Genetics Tuebingen Variant Classification Criteria Version 2. Collection method: clinical testing. Allele origin: germline. Affected: yes. Observed: 6 variant alleles.
Comment: MYT1L: BP4, BP7, BS2

Blueprint Genetics
Classification: Likely benign. Last evaluated: 2024-11-18. Review status: criteria provided, single submitter. Criteria: ACMG Guidelines, 2015. Collection method: clinical testing. Allele origin: germline.

GeneDx
Classification: Benign. Last evaluated: 2020-08-07. Review status: criteria provided, single submitter. Criteria: GeneDx Variant Classification Process June 2021. Collection method: clinical testing. Allele origin: germline. Affected: yes.

Labcorp Genetics (formerly Invitae), Labcorp
Classification: Benign. Last evaluated: 2019-12-31. Review status: criteria provided, single submitter. Criteria: Invitae Variant Classification Sherloc (09022015). Collection method: clinical testing. Allele origin: germline.

Breakthrough Genomics
Classification: Benign. Review status: criteria provided, single submitter. Criteria: ACMG Guidelines, 2015. Collection method: not provided. Allele origin: germline. Inheritance: Autosomal dominant inheritance. Affected: yes.

NM_001303052.2(MYT1L):c.372C>T (p.Asp124=)

Gene: MYT1L (myelin transcription factor 1 like; minus strand). Cytogenetic location: 2p25.3.
Variant type: single nucleotide variant.
Coding change: c.372C>T on transcript NM_001303052.2 (MANE Select); coding-DNA position 372, C replaced by T.
Protein change: p.Asp124=; no amino-acid change (aspartic acid 124 retained).
Molecular consequence: synonymous variant.
Genome position (GRCh38, 1-based): chr2:1,943,115, G>A on the plus strand (C>T on the coding strand, the complement: MYT1L is on the minus strand). VCF-style: chr2-1943115-G-A. GRCh37 (hg19) VCF-style: chr2-1946887-G-A.
Other names: c.372C>T, p.Asp124= (NM_001329844.2, NM_001329845.1, NM_001329846.3 and 6 more transcripts).
Identifiers: ClinVar variation 747065 (VCV000747065.30), dbSNP rs532643748, ClinGen allele CA1514407.
Genomic context (GRCh38, chr2:1,943,115, plus strand): 5'-CTCGTCATCGTCCTCATCCTCCTCCTCGATCTCCTCCTCCTCCTCCCGGTCCCCCTCCTC[G>A]TCCTCCTCGTCCTCATCCCCTGGCTCATCATTGTCCTCGGAGTACTCCTCCCCCTCATCC-3'
Protein context (NP_001289981.1, residues 114-134): NDEPGDEDEE[Asp124=]EEGDREEEEE